The following is an entry in ClinVar:

ClinVar aggregate classification (germline): Uncertain significance (1 of 4 stars; one submission).

Conditions:
Pityriasis rubra pilaris (PRP). Also called: Pityriasis rubra pilaris--familial type. Identifiers: Orphanet 2897, MedGen C0032027, MONDO:0100017, OMIM 173200, MONDO:0008251.
Psoriasis 2. Identifiers: MedGen C1864497, MONDO:0011269, OMIM 602723.

Allele frequency attached by ClinVar (database versions not stated): gnomAD exomes below 0.00001; TOPMed below 0.00001.
gnomAD v4.1: 1 of 1,613,746 alleles (0.000062%); highest among the groups gnomAD compares: Non-Finnish European, 0.000085%; no homozygotes.

Submission:

Labcorp Genetics (formerly Invitae), Labcorp
Classification: Uncertain significance for Pityriasis rubra pilaris; Psoriasis 2. Last evaluated: 2025-01-06. Review status: criteria provided, single submitter. Criteria: Invitae Variant Classification Sherloc (09022015). Collection method: clinical testing. Allele origin: germline.
Comment: This sequence change replaces aspartic acid, which is acidic and polar, with valine, which is neutral and non-polar, at codon 667 of the CARD14 protein (p.Asp667Val). This variant is present in population databases (no rsID available, gnomAD 0.0009%). This variant has not been reported in the literature in individuals affected with CARD14-related conditions. ClinVar contains an entry for this variant (Variation ID: 653662). Invitae Evidence Modeling of protein sequence and biophysical properties (such as structural, functional, and spatial information, amino acid conservation, physicochemical variation, residue mobility, and thermodynamic stability) indicates that this missense variant is not expected to disrupt CARD14 protein function with a negative predictive value of 95%. In summary, the available evidence is currently insufficient to determine the role of this variant in disease. Therefore, it has been classified as a Variant of Uncertain Significance.

NM_001366385.1(CARD14):c.2000A>T (p.Asp667Val)

Genes: SGSH (N-sulfoglucosamine sulfohydrolase; minus strand), CARD14 (caspase recruitment domain family member 14; plus strand). Cytogenetic location: 17q25.3.
Variant type: single nucleotide variant.
Coding change: c.2000A>T on transcript NM_001366385.1 (MANE Select); coding-DNA position 2000, A replaced by T.
Protein change: p.Asp667Val; replaces aspartic acid 667 with valine.
Molecular consequence: missense variant. On other transcripts: non-coding transcript variant (1).
Genome position (GRCh38, 1-based): chr17:80,202,201, A>T. VCF-style: chr17-80202201-A-T. GRCh37 (hg19) VCF-style: chr17-78176000-A-T.
Other names: c.2000A>T, p.Asp667Val (NM_001257970.1, NM_024110.4); short protein forms D667V.
Identifiers: ClinVar variation 653662 (VCV000653662.9), dbSNP rs1031489302, ClinGen allele CA294879800.